The following is an entry in ClinVar:

ClinVar aggregate classification (germline): Likely benign (1 of 4 stars; one submission).

Conditions:
USP9Y-related disorder. Also called: USP9Y-related condition.

Submission:

PreventionGenetics, part of Exact Sciences
Classification: Likely benign for USP9Y-related condition. Last evaluated: 2019-08-09. Review status: criteria provided, single submitter. Criteria: ACMG Guidelines, 2015. Collection method: clinical testing. Allele origin: germline.
Comment: This variant is classified as likely benign based on ACMG/AMP sequence variant interpretation guidelines (Richards et al. 2015 PMID: 25741868, with internal and published modifications).

NM_004654.4(USP9Y):c.3283-6_3283-5del

Gene: USP9Y (ubiquitin specific peptidase 9 Y-linked; plus strand). Cytogenetic location: Yq11.221.
Variant type: Deletion.
Coding change: c.3283-6_3283-5del on transcript NM_004654.4 (MANE Select); 6 bases into the intron before coding-DNA position 3283 through 5 bases into the intron before coding-DNA position 3283, 2 bases deleted (TT; older notation c.3283-6_3283-5delTT).
Molecular consequence: intron variant.
Genome position (GRCh38, 1-based): chrY:12,786,516-12,786,517, TT deleted; deleting any 2 consecutive bases within chrY:12,786,502-12,786,517 gives the same sequence; the c. name uses the placement nearest the transcript's 3' end. VCF-style (leftmost placement, unchanged base first): chrY-12786501-CTT-C. GRCh37 (hg19) VCF-style: chrY-14898435-CT-C.
Identifiers: ClinVar variation 3049353 (VCV003049353.1), dbSNP rs149106583, ClinGen allele CA337720075.